The following is an entry in ClinVar:

NM_001142864.4(PIEZO1):c.6829C>A (p.Leu2277Met)

Gene: PIEZO1 (piezo type mechanosensitive ion channel component 1 (Er blood group); minus strand). Cytogenetic location: 16q24.3.
Variant type: single nucleotide variant.
Coding change: c.6829C>A on transcript NM_001142864.4 (MANE Select); coding-DNA position 6829, C replaced by A.
Protein change: p.Leu2277Met; replaces leucine 2277 with methionine.
Molecular consequence: missense variant.
Genome position (GRCh38, 1-based): chr16:88,716,656, G>T on the plus strand (C>A on the coding strand, the complement: PIEZO1 is on the minus strand). VCF-style: chr16-88716656-G-T. GRCh37 (hg19) VCF-style: chr16-88783064-G-T.
Other names: p.Leu2277Met; c.6829C>A (NM_001142864.3); short protein forms L2277M.
Identifiers: ClinVar variation 1330562 (VCV001330562.46), dbSNP rs563555492, ClinGen allele CA8231472.
Genomic context (GRCh38, chr16:88,716,656, plus strand): 5'-CCGTGCCGTTGTAGAGCTCCCGCTTCATCTGGGCACGGCTGGGGGGACTGATGCGCCACA[G>T]CGCCCCGGAGCTGCCCTCAATCTGCGCCGTGACGATGTCCTCAGGGCTGTACTGGCTGAT-3'
Protein context (NP_001136336.2, residues 2267-2287): TAQIEGSSGA[Leu2277Met]WRISPPSRAQ

ClinVar aggregate classification (germline): Benign/Likely benign. Review status: criteria provided, multiple submitters, no conflicts (2 of 4 stars). 6 submissions from 6 submitters: Benign (2); Likely benign (2). 2 of the submissions do not count toward it. Last evaluated 2025-09-23.

Conditions:
PIEZO1-related disorder. Also called: PIEZO1-related condition; PIEZO1-Related Disorders.
Dehydrated hereditary stomatocytosis with or without pseudohyperkalemia and/or perinatal edema (DHS1). Also called: PSEUDOHYPERKALEMIA EDINBURGH; DEHYDRATED HEREDITARY STOMATOCYTOSIS AND PSEUDOHYPERKALEMIA; DEHYDRATED HEREDITARY STOMATOCYTOSIS WITH PSEUDOHYPERKALEMIA AND PERINATAL EDEMA; Pseudohyperkalemia, familial, 1, due to red cell leak; Dehydrated hereditary stomatocytosis 1 with or without pseudohyperkalemia and/or perinatal edema. Identifiers: Orphanet 3202, MedGen C4551512, MONDO:0008689, OMIM 194380.

Allele frequency attached by ClinVar (database versions not stated): gnomAD 0.00016 and 0.00145; 1000 Genomes Project 0.00619; gnomAD exomes 0.00619; 1000 Genomes Project 30x 0.00625; ExAC 0.01682.
gnomAD v4.1: 3,542 of 1,549,434 alleles (0.23%); highest among the groups gnomAD compares: South Asian, 3.9%; 104 homozygotes.

Submissions (6):

Labcorp Genetics (formerly Invitae), Labcorp
Classification: Benign. Last evaluated: 2025-09-23. Review status: criteria provided, single submitter. Criteria: Invitae Variant Classification Sherloc (09022015). Collection method: clinical testing. Allele origin: germline.

Mayo Clinic Laboratories, Mayo Clinic
Classification: Likely benign. Last evaluated: 2025-04-09. Review status: criteria provided, single submitter. Criteria: ACMG Guidelines, 2015. Collection method: clinical testing. Allele origin: germline. Observed: 10 variant alleles.
Comment: BS1, BS2

CeGaT Center for Human Genetics Tuebingen
Classification: Benign. Last evaluated: 2025-03-01. Review status: criteria provided, single submitter. Criteria: CeGaT Center For Human Genetics Tuebingen Variant Classification Criteria Version 2. Collection method: clinical testing. Allele origin: germline. Affected: yes. Observed: 5 variant alleles.
Comment: PIEZO1: BS1, BS2

ARUP Laboratories, Molecular Genetics and Genomics, ARUP Laboratories
Classification: Likely benign. Last evaluated: 2023-03-25. Review status: criteria provided, single submitter. Criteria: ARUP Molecular Germline Variant Investigation Process 2024. Collection method: clinical testing. Allele origin: germline.

PreventionGenetics, part of Exact Sciences
Classification: Benign for PIEZO1-related condition. Last evaluated: 2019-04-30. Review status: no assertion criteria provided. Collection method: clinical testing. Allele origin: germline. Not counted in ClinVar's aggregate classification.
Comment: This variant is classified as benign based on ACMG/AMP sequence variant interpretation guidelines (Richards et al. 2015 PMID: 25741868, with internal and published modifications).

Digital Health - Machine Learning, Hasso Plattner Institute
Classification: Likely pathogenic, low penetrance for Dehydrated hereditary stomatocytosis with or without pseudohyperkalemia and/or perinatal edema. Review status: no assertion criteria provided. Collection method: research. Allele origin: germline. Observed: 281 variant alleles. Not counted in ClinVar's aggregate classification.
Comment: The variant was described in family studies of hereditery dehydrated stomatocytosis. Other missense variants in PIEZO1 have been implicated in hereditery stomatocytosis (gain of function). We found strongly reduced levels of the blood biomarker Glycated Hemoglobin (HbA1c) in carriers of this varaint and other predicted pathogenic PIEZO1 varaints, which could be indicative of increased hemolysis.

Literature cited by the submitters: DOI 10.3324/haematol.2018.205328 (cited by Digital Health - Machine Learning, Hasso Plattner Institute); DOI 10.1038/s41467-022-32864-2 (cited by Digital Health - Machine Learning, Hasso Plattner Institute).